The following is an entry in ClinVar:

NM_002661.5(PLCG2):c.1690C>T (p.Arg564Trp)

Gene: PLCG2 (phospholipase C gamma 2; plus strand). Cytogenetic location: 16q23.3.
Variant type: single nucleotide variant.
Coding change: c.1690C>T on transcript NM_002661.5 (MANE Select); coding-DNA position 1690, C replaced by T.
Protein change: p.Arg564Trp; replaces arginine 564 with tryptophan.
Molecular consequence: missense variant.
Genome position (GRCh38, 1-based): chr16:81,908,548, C>T. VCF-style: chr16-81908548-C-T. GRCh37 (hg19) VCF-style: chr16-81942153-C-T.
Other names: c.1690C>T, p.Arg564Trp (NM_001425749.1, NM_001425750.1, NM_001425751.1); short protein forms R564W.
Identifiers: ClinVar variation 4703251 (VCV004703251.1).

ClinVar aggregate classification (germline): Uncertain significance (1 of 4 stars; one submission).

Conditions:
Familial cold autoinflammatory syndrome 3 (FCAS3). Also called: ANTIBODY DEFICIENCY AND IMMUNE DYSREGULATION, PLCG2-ASSOCIATED; FAMILIAL ATYPICAL COLD URTICARIA. Identifiers: Orphanet 300359, MedGen C3280914, MONDO:0013766, OMIM 614468.

gnomAD v4.1: 2 of 1,612,954 alleles (0.00012%); highest among the groups gnomAD compares: South Asian, 0.0011%; no homozygotes.

Submission:

Labcorp Genetics (formerly Invitae), Labcorp
Classification: Uncertain significance for Familial cold autoinflammatory syndrome 3. Last evaluated: 2025-09-01. Review status: criteria provided, single submitter. Criteria: Invitae Variant Classification Sherloc (09022015). Collection method: clinical testing. Allele origin: germline.
Comment: This sequence change replaces arginine, which is basic and polar, with tryptophan, which is neutral and slightly polar, at codon 564 of the PLCG2 protein (p.Arg564Trp). This variant is not present in population databases (gnomAD no frequency). This variant has not been reported in the literature in individuals affected with PLCG2-related conditions. An algorithm developed to predict the effect of missense changes on protein structure and function (PolyPhen-2) suggests that this variant is likely to be disruptive. In summary, the available evidence is currently insufficient to determine the role of this variant in disease. Therefore, it has been classified as a Variant of Uncertain Significance.